The following is an entry in ClinVar:

NM_170682.4(P2RX2):c.656C>A (p.Thr219Lys)

Gene: P2RX2 (purinergic receptor P2X 2; plus strand). Cytogenetic location: 12q24.33.
Variant type: single nucleotide variant.
Coding change: c.656C>A on transcript NM_170682.4 (MANE Select); coding-DNA position 656, C replaced by A.
Protein change: p.Thr219Lys; replaces threonine 219 with lysine.
Molecular consequence: missense variant.
Genome position (GRCh38, 1-based): chr12:132,620,465, C>A. VCF-style: chr12-132620465-C-A. GRCh37 (hg19) VCF-style: chr12-133197051-C-A.
Other names: c.656C>A, p.Thr219Lys (NM_170683.4, NM_174873.3, NM_001282165.2); c.380C>A, p.Thr127Lys (NM_174872.3); c.549C>A, p.His183Gln (NM_001282164.2); c.440C>A, p.Thr147Lys (NM_012226.5); c.584C>A, p.Thr195Lys (NM_016318.4); c.656C>A (NM_174873.2); short protein forms T147K, H183Q, T127K, T195K, T219K.
Identifiers: ClinVar variation 3705629 (VCV003705629.3).

ClinVar aggregate classification (germline): Uncertain significance. Review status: criteria provided, multiple submitters, no conflicts (2 of 4 stars). 2 submissions from 2 submitters: Uncertain significance (2). Last evaluated 2025-11-18.

Conditions:
P2RX2-related disorder. Also called: P2RX2-related condition.

gnomAD v4.1: 4 of 1,614,108 alleles (0.00025%); highest among the groups gnomAD compares: Admixed American, 0.0017%; no homozygotes.

Submissions (2):

PreventionGenetics, part of Exact Sciences
Classification: Uncertain significance for P2RX2-related condition. Last evaluated: 2025-11-18. Review status: criteria provided, single submitter. Criteria: ACMG Guidelines, 2015. Collection method: clinical testing. Allele origin: germline.
Comment: The P2RX2 c.656C>A variant is predicted to result in the amino acid substitution p.Thr219Lys. To our knowledge, this variant has not been reported in the literature. This variant is reported in 0.0033% of alleles in individuals of South Asian descent in gnomAD. At this time, the clinical significance of this variant is uncertain due to the absence of conclusive functional and genetic evidence.

Labcorp Genetics (formerly Invitae), Labcorp
Classification: Uncertain significance. Last evaluated: 2024-07-31. Review status: criteria provided, single submitter. Criteria: Invitae Variant Classification Sherloc (09022015). Collection method: clinical testing. Allele origin: germline.
Comment: This sequence change replaces threonine, which is neutral and polar, with lysine, which is basic and polar, at codon 219 of the P2RX2 protein (p.Thr219Lys). This variant is present in population databases (rs751623269, gnomAD 0.003%). This variant has not been reported in the literature in individuals affected with P2RX2-related conditions. Advanced modeling of protein sequence and biophysical properties (such as structural, functional, and spatial information, amino acid conservation, physicochemical variation, residue mobility, and thermodynamic stability) performed at Invitae indicates that this missense variant is not expected to disrupt P2RX2 protein function with a negative predictive value of 80%. In summary, the available evidence is currently insufficient to determine the role of this variant in disease. Therefore, it has been classified as a Variant of Uncertain Significance.